The following is an entry in ClinVar:

NM_015375.3(DSTYK):c.1959A>T (p.Lys653Asn)

Gene: DSTYK (dual serine/threonine and tyrosine protein kinase; minus strand). Cytogenetic location: 1q32.1.
Variant type: single nucleotide variant.
Coding change: c.1959A>T on transcript NM_015375.3 (MANE Select); coding-DNA position 1959, A replaced by T.
Protein change: p.Lys653Asn; replaces lysine 653 with asparagine.
Molecular consequence: missense variant.
Genome position (GRCh38, 1-based): chr1:205,160,260, T>A on the plus strand (A>T on the coding strand, the complement: DSTYK is on the minus strand). VCF-style: chr1-205160260-T-A. GRCh37 (hg19) VCF-style: chr1-205129388-T-A.
Other names: c.1959A>T, p.Lys653Asn (NM_199462.3); short protein forms K653N.
Identifiers: ClinVar variation 1320966 (VCV001320966.4), dbSNP rs147872876, ClinGen allele CA36425248.

ClinVar aggregate classification (germline): Uncertain significance. Review status: criteria provided, single submitter (1 of 4 stars). 2 submissions from 2 submitters: Uncertain significance (1). 1 of the submissions does not count toward it. Last evaluated 2025-03-03.

Conditions:
DSTYK-related disorder. Also called: DSTYK-related condition.

Allele frequency attached by ClinVar (database versions not stated): gnomAD exomes below 0.00001 and 0.00002; gnomAD 0.00002; TOPMed 0.00002; ESP Exome Variant Server 0.00015.
gnomAD v4.1: 4 of 1,613,854 alleles (0.00025%); highest among the groups gnomAD compares: African/African-American, 0.0053%; no homozygotes.

Submissions (2):

GeneDx
Classification: Uncertain significance. Last evaluated: 2025-03-03. Review status: criteria provided, single submitter. Criteria: GeneDx Variant Classification Process June 2021. Collection method: clinical testing. Allele origin: germline. Affected: yes.
Comment: In silico analysis indicates that this missense variant does not alter protein structure/function; Has not been previously published as pathogenic or benign to our knowledge

PreventionGenetics, part of Exact Sciences
Classification: Uncertain significance for DSTYK-related condition. Last evaluated: 2024-03-19. Review status: no assertion criteria provided. Collection method: clinical testing. Allele origin: germline. Not counted in ClinVar's aggregate classification.
Comment: The DSTYK c.1959A>T variant is predicted to result in the amino acid substitution p.Lys653Asn. To our knowledge, this variant has not been reported in the literature. This variant is reported in 0.020% of alleles in individuals of African descent in gnomAD. At this time, the clinical significance of this variant is uncertain due to the absence of conclusive functional and genetic evidence.